The following is an entry in ClinVar:

ClinVar aggregate classification (germline): Uncertain significance. Review status: criteria provided, multiple submitters, no conflicts (2 of 4 stars). 2 submissions from 2 submitters: Uncertain significance (2). Last evaluated 2024-10-30.

Conditions:
LEMD3-related disorder. Also called: LEMD3-related condition.

Allele frequency attached by ClinVar (database versions not stated): gnomAD 0.00001; TOPMed 0.00001.
gnomAD v4.1: 1 of 1,452,442 alleles (0.000069%); highest among the groups gnomAD compares: African/African-American, 0.0015%; no homozygotes.

Submissions (2):

Labcorp Genetics (formerly Invitae), Labcorp
Classification: Uncertain significance. Last evaluated: 2024-10-30. Review status: criteria provided, single submitter. Criteria: Invitae Variant Classification Sherloc (09022015). Collection method: clinical testing. Allele origin: germline.
Comment: This sequence change replaces proline, which is neutral and non-polar, with leucine, which is neutral and non-polar, at codon 104 of the LEMD3 protein (p.Pro104Leu). This variant is not present in population databases (gnomAD no frequency). This variant has not been reported in the literature in individuals affected with LEMD3-related conditions. ClinVar contains an entry for this variant (Variation ID: 2628463). An algorithm developed to predict the effect of missense changes on protein structure and function (PolyPhen-2) suggests that this variant is likely to be disruptive. In summary, the available evidence is currently insufficient to determine the role of this variant in disease. Therefore, it has been classified as a Variant of Uncertain Significance.

PreventionGenetics, part of Exact Sciences
Classification: Uncertain significance for LEMD3-related condition. Last evaluated: 2022-10-17. Review status: criteria provided, single submitter. Criteria: ACMG Guidelines, 2015. Collection method: clinical testing. Allele origin: germline.
Comment: The LEMD3 c.311C>T variant is predicted to result in the amino acid substitution p.Pro104Leu. To our knowledge, this variant has not been reported in the literature or in a large population database, indicating this variant is rare. At this time, the clinical significance of this variant is uncertain due to the absence of conclusive functional and genetic evidence.

NM_014319.5(LEMD3):c.311C>T (p.Pro104Leu)

Genes: LEMD3 (LEM domain containing 3; plus strand), LOC130008224 (ATAC-STARR-seq lymphoblastoid silent region 4630; plus strand). Cytogenetic location: 12q14.3.
Variant type: single nucleotide variant.
Coding change: c.311C>T on transcript NM_014319.5 (MANE Select); coding-DNA position 311, C replaced by T.
Protein change: p.Pro104Leu; replaces proline 104 with leucine.
Molecular consequence: missense variant.
Genome position (GRCh38, 1-based): chr12:65,169,907, C>T. VCF-style: chr12-65169907-C-T. GRCh37 (hg19) VCF-style: chr12-65563687-C-T.
Other names: c.311C>T, p.Pro104Leu (NM_001167614.2); short protein forms P104L.
Identifiers: ClinVar variation 2628463 (VCV002628463.3), dbSNP rs1162062569, ClinGen allele CA385672551.